The following is an entry in ClinVar:

NM_174936.4(PCSK9):c.557A>G (p.Asp186Gly)

Gene: PCSK9 (proprotein convertase subtilisin/kexin type 9; plus strand). Cytogenetic location: 1p32.3.
Variant type: single nucleotide variant.
Coding change: c.557A>G on transcript NM_174936.4 (MANE Select); coding-DNA position 557, A replaced by G.
Protein change: p.Asp186Gly; replaces aspartic acid 186 with glycine.
Molecular consequence: missense variant. On other transcripts: non-coding transcript variant (8).
Genome position (GRCh38, 1-based): chr1:55,052,311, A>G. VCF-style: chr1-55052311-A-G. GRCh37 (hg19) VCF-style: chr1-55517984-A-G.
Other names: c.680A>G, p.Asp227Gly (NM_001407240.1); c.557A>G, p.Asp186Gly (NM_001407241.1, NM_001407242.1, NM_001407244.1 and 1 more transcripts); c.500A>G, p.Asp167Gly (NM_001407243.1); c.365A>G, p.Asp122Gly (NM_001407245.1); c.182A>G, p.Asp61Gly (NM_001407246.1); short protein forms D167G, D61G, D122G, D186G, D227G.
Identifiers: ClinVar variation 2568387 (VCV002568387.4), dbSNP rs2523223957, ClinGen allele CA340473122.

ClinVar aggregate classification (germline): Uncertain significance. Review status: criteria provided, multiple submitters, no conflicts (2 of 4 stars). 3 submissions from 3 submitters: Uncertain significance (3). Last evaluated 2025-07-28.

Conditions:
Cardiovascular phenotype. Identifiers: MedGen CN230736.
Hypercholesterolemia, autosomal dominant, 3 (FHCL3). Also called: PCSK9-Related Familial Hypercholesterolemia, Autosomal Dominant; Familial hypercholesterolemia 3; Familial Hypercholesterolemia, Autosomal Dominant, 3. Identifiers: MedGen C1863551, MONDO:0011369, OMIM 603776.

Submissions (3):

GeneDx
Classification: Uncertain significance. Last evaluated: 2025-07-28. Review status: criteria provided, single submitter. Criteria: GeneDx Variant Classification Process June 2021. Collection method: clinical testing. Allele origin: germline. Affected: yes.
Comment: Not observed at significant frequency in large population cohorts (gnomAD); In silico analysis supports that this missense variant has a deleterious effect on protein structure/function; Has not been previously published as pathogenic or benign to our knowledge

All of Us Research Program, National Institutes of Health
Classification: Uncertain significance for Hypercholesterolemia, autosomal dominant, 3. Last evaluated: 2023-05-15. Review status: criteria provided, single submitter. Criteria: ACMG Guidelines, 2015. Collection method: clinical testing. Allele origin: germline. Inheritance: Autosomal dominant inheritance. Observed: 1 variant allele, 1 heterozygote.
Comment: This missense variant replaces aspartic acid with glycine at codon 186 of the PCSK9 protein. Computational prediction suggests that this variant may have deleterious impact on protein structure and function (internally defined REVEL score threshold >= 0.7, PMID: 27666373). To our knowledge, functional studies have not been reported for this variant. This variant has not been reported in individuals affected with PCSK9-related disorders in the literature. This variant has not been identified in the general population by the Genome Aggregation Database (gnomAD). The available evidence is insufficient to determine the role of this variant in disease conclusively. Therefore, this variant is classified as a Variant of Uncertain Significance.

This study involves interpretation of variants in research participants for the purpose of population health screening. Participant phenotype was not available at the time of variant classification. Additional details can be found in publication PMID: 35346344, PMCID: PMC8962531

Ambry Genetics
Classification: Uncertain significance for Cardiovascular phenotype. Last evaluated: 2023-03-27. Review status: criteria provided, single submitter. Criteria: Ambry Variant Classification Scheme 2023. Collection method: clinical testing. Allele origin: germline.
Comment: The p.D186G variant (also known as c.557A>G), located in coding exon 4 of the PCSK9 gene, results from an A to G substitution at nucleotide position 557. The aspartic acid at codon 186 is replaced by glycine, an amino acid with similar properties. This amino acid position is conserved. In addition, this alteration is predicted to be deleterious by in silico analysis. Since supporting evidence is limited at this time, the clinical significance of this alteration remains unclear.